The following is an entry in ClinVar:

NM_001723.7(DST):c.6223G>C (p.Asp2075His)

Gene: DST (dystonin; minus strand). Cytogenetic location: 6p12.1.
Variant type: single nucleotide variant.
Coding change: c.6223G>C on transcript NM_001723.7 (MANE Plus Clinical); coding-DNA position 6223, G replaced by C.
Protein change: p.Asp2075His; replaces aspartic acid 2075 with histidine.
Molecular consequence: missense variant. On other transcripts: intron variant (10).
Genome position (GRCh38, 1-based): chr6:56,617,244, C>G on the plus strand (G>C on the coding strand, the complement: DST is on the minus strand). VCF-style: chr6-56617244-C-G. GRCh37 (hg19) VCF-style: chr6-56482042-C-G.
Other names: c.4831-2760G>C (NM_001144769.5); c.4930-2760G>C (NM_001374722.1, NM_001374736.1); c.4957-2760G>C (NM_001374734.1); c.4417-2760G>C (NM_001144770.2); c.4297-2760G>C (NM_001374730.1, NM_001386100.1, NM_183380.4 and 1 more transcripts); c.3319-2760G>C (NM_015548.5); short protein forms D2075H.
Identifiers: ClinVar variation 3731062 (VCV003731062.1).

ClinVar aggregate classification (germline): Uncertain significance (1 of 4 stars; one submission).

gnomAD v4.1: 1 of 1,608,204 alleles (0.000062%); highest among the groups gnomAD compares: South Asian, 0.0011%; no homozygotes.

Submission:

GeneDx
Classification: Uncertain significance. Last evaluated: 2024-08-13. Review status: criteria provided, single submitter. Criteria: GeneDx Variant Classification Process June 2021. Collection method: clinical testing. Allele origin: germline. Affected: yes.
Comment: Not observed at significant frequency in large population cohorts (gnomAD); In silico analysis indicates that this missense variant does not alter protein structure/function; Has not been previously published as pathogenic or benign to our knowledge